The following is an entry in ClinVar:

ClinVar aggregate classification (germline): Uncertain significance. Review status: criteria provided, single submitter (1 of 4 stars). 2 submissions from 2 submitters: Uncertain significance (1). 1 of the submissions does not count toward it. Last evaluated 2022-03-10.

Conditions:
Tooth agenesis, selective, 4 (STHAG4). Also called: LATERAL INCISORS, ABSENCE OF; LATERAL INCISORS, PEGGED OR MISSING; TOOTH AGENESIS, SELECTIVE, 4, WITH OR WITHOUT ECTODERMAL DYSPLASIA; SUCCEDANEOUS TEETH, AGENESIS OF. Identifiers: Orphanet 99798, MedGen C1835492, MONDO:0007881, OMIM 150400. Disease mechanism: loss of function.
Odonto-onycho-dermal dysplasia. Identifiers: Orphanet 2721, MedGen C0796093, MONDO:0009773, OMIM 257980.
Schöpf-Schulz-Passarge syndrome. Also called: KERATOSIS PALMOPLANTARIS WITH CYSTIC EYELIDS, HYPODONTIA, AND HYPOTRICHOSIS; SchC6pf-Schulz-Passarge syndrome; ECCRINE TUMORS WITH ECTODERMAL DYSPLASIA. Identifiers: Orphanet 50944, MedGen C1857069, MONDO:0009145, OMIM 224750.

Allele frequency attached by ClinVar (database versions not stated): gnomAD 0.00001; gnomAD exomes 0.00002; ExAC 0.00003; TOPMed 0.00003.

Submissions (2):

Labcorp Genetics (formerly Invitae), Labcorp
Classification: Uncertain significance for Tooth agenesis, selective, 4; Odonto-onycho-dermal dysplasia. Last evaluated: 2022-03-10. Review status: criteria provided, single submitter. Criteria: Invitae Variant Classification Sherloc (09022015). Collection method: clinical testing. Allele origin: germline.
Comment: This sequence change replaces arginine, which is basic and polar, with glutamine, which is neutral and polar, at codon 232 of the WNT10A protein (p.Arg232Gln). This variant is present in population databases (rs772154760, gnomAD 0.007%). This missense change has been observed in individual(s) with odontoonychodermal dysplasia (Invitae). In at least one individual the data is consistent with being in trans (on the opposite chromosome) from a pathogenic variant. ClinVar contains an entry for this variant (Variation ID: 582420). Algorithms developed to predict the effect of missense changes on protein structure and function are either unavailable or do not agree on the potential impact of this missense change (SIFT: "Deleterious"; PolyPhen-2: "Probably Damaging"; Align-GVGD: "Class C0"). Algorithms developed to predict the effect of sequence changes on RNA splicing suggest that this variant may create or strengthen a splice site. In summary, the available evidence is currently insufficient to determine the role of this variant in disease. Therefore, it has been classified as a Variant of Uncertain Significance.

Natera, Inc.
Classification: Uncertain significance for Schopf-Schulz-Passarge syndrome. Last evaluated: 2019-11-11. Review status: no assertion criteria provided. Collection method: clinical testing. Allele origin: germline. Not counted in ClinVar's aggregate classification.

NM_025216.3(WNT10A):c.695G>A (p.Arg232Gln)

Gene: WNT10A (Wnt family member 10A; plus strand). Cytogenetic location: 2q35.
Variant type: single nucleotide variant.
Coding change: c.695G>A on transcript NM_025216.3 (MANE Select); coding-DNA position 695, G replaced by A.
Protein change: p.Arg232Gln; replaces arginine 232 with glutamine.
Molecular consequence: missense variant.
Genome position (GRCh38, 1-based): chr2:218,890,302, G>A. VCF-style: chr2-218890302-G-A. GRCh37 (hg19) VCF-style: chr2-219755024-G-A.
Other names: short protein forms R232Q.
Identifiers: ClinVar variation 582420 (VCV000582420.8), dbSNP rs772154760, ClinGen allele CA2114002.